The following is an entry in ClinVar:

NM_001036.6(RYR3):c.4402A>G (p.Met1468Val)

Gene: RYR3 (ryanodine receptor 3; plus strand). Cytogenetic location: 15q14.
Variant type: single nucleotide variant.
Coding change: c.4402A>G on transcript NM_001036.6 (MANE Select); coding-DNA position 4402, A replaced by G.
Protein change: p.Met1468Val; replaces methionine 1468 with valine.
Molecular consequence: missense variant.
Genome position (GRCh38, 1-based): chr15:33,660,203, A>G. VCF-style: chr15-33660203-A-G. GRCh37 (hg19) VCF-style: chr15-33952404-A-G.
Other names: c.4402A>G, p.Met1468Val (NM_001243996.4); short protein forms M1468V.
Identifiers: ClinVar variation 844945 (VCV000844945.9), dbSNP rs1441433888, ClinGen allele CA391566261.

ClinVar aggregate classification (germline): Uncertain significance (1 of 4 stars; one submission).

Conditions:
Epileptic encephalopathy. Identifiers: MedGen C0543888, HP:0200134.

Allele frequency attached by ClinVar (database versions not stated): gnomAD 0.00001.

Submission:

Labcorp Genetics (formerly Invitae), Labcorp
Classification: Uncertain significance for Epileptic encephalopathy. Last evaluated: 2019-03-22. Review status: criteria provided, single submitter. Criteria: Invitae Variant Classification Sherloc (09022015). Collection method: clinical testing. Allele origin: germline.
Comment: In summary, the available evidence is currently insufficient to determine the role of this variant in disease. Therefore, it has been classified as a Variant of Uncertain Significance. Algorithms developed to predict the effect of missense changes on protein structure and function are either unavailable or do not agree on the potential impact of this missense change (SIFT: "Deleterious"; PolyPhen-2: "Possibly Damaging"; Align-GVGD: "Class C15"). This variant has not been reported in the literature in individuals with RYR3-related conditions. This variant is not present in population databases (ExAC no frequency). This sequence change replaces methionine with valine at codon 1468 of the RYR3 protein (p.Met1468Val). The methionine residue is highly conserved and there is a small physicochemical difference between methionine and valine.